The following is an entry in ClinVar:

NM_001377.3(DYNC2H1):c.2640T>G (p.His880Gln)

Gene: DYNC2H1 (dynein cytoplasmic 2 heavy chain 1; plus strand). Cytogenetic location: 11q22.3.
Variant type: single nucleotide variant.
Coding change: c.2640T>G on transcript NM_001377.3 (MANE Select); coding-DNA position 2640, T replaced by G.
Protein change: p.His880Gln; replaces histidine 880 with glutamine.
Molecular consequence: missense variant.
Genome position (GRCh38, 1-based): chr11:103,143,333, T>G. VCF-style: chr11-103143333-T-G. GRCh37 (hg19) VCF-style: chr11-103014062-T-G.
Other names: c.2640T>G, p.His880Gln (NM_001080463.2); short protein forms H880Q.
Identifiers: ClinVar variation 2128535 (VCV002128535.4), dbSNP rs1860060694, ClinGen allele CA382263673.
Genomic context (GRCh38, chr11:103,143,333, plus strand): 5'-GATTGTAATTGGGCAAGTTGATATGGAAGCTCTGGTGGAAAAGCATCTTTTTACTGTACA[T>G]GATTGGGAGAAAAATTTTAAAGCATTAAAAATAAAGGGGAAAGAAGTAGAACGACTTCCA-3'
Protein context (NP_001368.2, residues 870-890): ALVEKHLFTV[His880Gln]DWEKNFKALK

ClinVar aggregate classification (germline): Uncertain significance (1 of 4 stars; one submission).

Conditions:
Jeune thoracic dystrophy. Also called: Short-rib thoracic dysplasia; Jeune syndrome; Infantile thoracic dystrophy; Thoracic pelvic phalangeal dystrophy; Jeune's syndrome; Chondroectodermal dysplasia-like syndrome. Identifiers: Orphanet 474, MedGen C0265275, MONDO:0018770.

Allele frequency attached by ClinVar (database versions not stated): gnomAD exomes below 0.00001; TOPMed below 0.00001; gnomAD 0.00001.
gnomAD v4.1: 3 of 1,613,050 alleles (0.00019%); highest among the groups gnomAD compares: Non-Finnish European, 0.00017%; no homozygotes.

Submission:

Labcorp Genetics (formerly Invitae), Labcorp
Classification: Uncertain significance for Jeune thoracic dystrophy. Last evaluated: 2022-05-06. Review status: criteria provided, single submitter. Criteria: Invitae Variant Classification Sherloc (09022015). Collection method: clinical testing. Allele origin: germline.
Comment: This sequence change replaces histidine, which is basic and polar, with glutamine, which is neutral and polar, at codon 880 of the DYNC2H1 protein (p.His880Gln). This variant is not present in population databases (gnomAD no frequency). This variant has not been reported in the literature in individuals affected with DYNC2H1-related conditions. Advanced modeling of protein sequence and biophysical properties (such as structural, functional, and spatial information, amino acid conservation, physicochemical variation, residue mobility, and thermodynamic stability) performed at Invitae indicates that this missense variant is not expected to disrupt DYNC2H1 protein function. In summary, the available evidence is currently insufficient to determine the role of this variant in disease. Therefore, it has been classified as a Variant of Uncertain Significance.